The following is an entry in ClinVar:

ClinVar aggregate classification (germline): Uncertain significance (1 of 4 stars; one submission).

Conditions:
Bruck syndrome 2 (BRKS2). Also called: OSTEOGENESIS IMPERFECTA WITH CONGENITAL JOINT CONTRACTURES. Identifiers: Orphanet 2771, MedGen C1836602, MONDO:0012217, OMIM 609220.

Allele frequency attached by ClinVar (database versions not stated): gnomAD exomes below 0.00001 and 0.00001; ExAC 0.00001.

Submission:

Johns Hopkins Genomics, Johns Hopkins University
Classification: Uncertain significance for Bruck syndrome 2. Last evaluated: 2020-09-10. Review status: criteria provided, single submitter. Criteria: ACMG Guidelines, 2015. Collection method: clinical testing. Allele origin: germline.
Comment: This PLOD2 variant (rs768543431) is rare (<0.1%) in a large population dataset (2/249970 total alleles; 0.0008%; no homozygotes) and has not been reported previously in the literature to our knowledge. This variant is predicted to affect the native acceptor (3') splice site for exon 8, although this has not been confirmed experimentally to our knowledge. Due to insufficient evidence, we consider the clinical significance of c.778-6T>G to be uncertain at this time.

Literature cited by the submitters: PubMed 12881513; PubMed 15523624; PubMed 22689593; PubMed 29178448; PubMed 9927692.

NM_182943.3(PLOD2):c.778-6T>G

Gene: PLOD2 (procollagen-lysine,2-oxoglutarate 5-dioxygenase 2; minus strand). Cytogenetic location: 3q24.
Variant type: single nucleotide variant.
Coding change: c.778-6T>G on transcript NM_182943.3 (MANE Select); 6 bases into the intron before coding-DNA position 778, T replaced by G.
Molecular consequence: intron variant.
Genome position (GRCh38, 1-based): chr3:146,091,907, A>C on the plus strand (T>G on the coding strand, the complement: PLOD2 is on the minus strand). VCF-style: chr3-146091907-A-C. GRCh37 (hg19) VCF-style: chr3-145809694-A-C.
Other names: c.778-6T>G (NM_000935.3).
Identifiers: ClinVar variation 981530 (VCV000981530.1), dbSNP rs768543431, ClinGen allele CA2655125.